The following is an entry in ClinVar:

ClinVar aggregate classification (germline): Pathogenic (1 of 4 stars; one submission).

Conditions:
Mitochondrial hypertrophic cardiomyopathy with lactic acidosis due to MTO1 deficiency. Also called: Combined oxidative phosphorylation deficiency 10; CARDIOMYOPATHY, INFANTILE HYPERTROPHIC MITOCHONDRIAL, AND LACTIC ACIDOSIS. Identifiers: Orphanet 314637, MedGen C4749921, MONDO:0013865, OMIM 614702.

Submission:

Labcorp Genetics (formerly Invitae), Labcorp
Classification: Pathogenic for Mitochondrial hypertrophic cardiomyopathy with lactic acidosis due to MTO1 deficiency. Last evaluated: 2022-03-23. Review status: criteria provided, single submitter. Criteria: Invitae Variant Classification Sherloc (09022015). Collection method: clinical testing. Allele origin: germline.
Comment: Algorithms developed to predict the effect of sequence changes on RNA splicing suggest that this variant may disrupt the consensus splice site. This variant has not been reported in the literature in individuals affected with MTO1-related conditions. This variant is not present in population databases (gnomAD no frequency). This sequence change creates a premature translational stop signal (p.Tyr616*) in the MTO1 gene. It is expected to result in an absent or disrupted protein product. Loss-of-function variants in MTO1 are known to be pathogenic (PMID: 22608499, 25058219). For these reasons, this variant has been classified as Pathogenic.

Literature cited by the submitters: PubMed 22608499; PubMed 25058219.

NM_012123.4(MTO1):c.1848T>G (p.Tyr616Ter)

Gene: MTO1 (mitochondrial tRNA translation optimization 1; plus strand). Cytogenetic location: 6q13.
Variant type: single nucleotide variant.
Coding change: c.1848T>G on transcript NM_012123.4 (MANE Select); coding-DNA position 1848, T replaced by G.
Protein change: p.Tyr616Ter; replaces tyrosine 616 with a stop codon.
Molecular consequence: nonsense.
Genome position (GRCh38, 1-based): chr6:73,497,827, T>G. VCF-style: chr6-73497827-T-G. GRCh37 (hg19) VCF-style: chr6-74207550-T-G.
Other names: c.1968T>G, p.Tyr656Ter (NM_001123226.2); c.1923T>G, p.Tyr641Ter (NM_133645.3); short protein forms Y616*, Y656*, Y641*.
Identifiers: ClinVar variation 1432815 (VCV001432815.6), dbSNP rs2150044996, ClinGen allele CA364701065.